The following is an entry in ClinVar:

ClinVar aggregate classification (germline): Likely benign. Review status: criteria provided, multiple submitters, no conflicts (2 of 4 stars). 2 submissions from 2 submitters: Likely benign (2). Last evaluated 2025-06-04.

Conditions:
NPHP4-related disorder. Also called: NPHP4-related condition; NPHP4-related disorders. Identifiers: MedGen CN239384.
Nephronophthisis. Also called: Juvenile Nephronophthisis. Identifiers: Orphanet 655, MedGen C0687120, MONDO:0019005, HP:0000090.

Allele frequency attached by ClinVar (database versions not stated): gnomAD exomes below 0.00001 and 0.00001; TOPMed below 0.00001; gnomAD 0.00001 and 0.00002.
gnomAD v4.1: 14 of 1,607,456 alleles (0.00087%); highest among the groups gnomAD compares: African/African-American, 0.004%; no homozygotes.

Submissions (2):

PreventionGenetics, part of Exact Sciences
Classification: Likely benign for NPHP4-related condition. Last evaluated: 2025-06-04. Review status: criteria provided, single submitter. Criteria: ACMG Guidelines, 2015. Collection method: clinical testing. Allele origin: germline.
Comment: This variant is classified as likely benign based on ACMG/AMP sequence variant interpretation guidelines (Richards et al. 2015 PMID: 25741868, with internal and published modifications).

Labcorp Genetics (formerly Invitae), Labcorp
Classification: Likely benign for Nephronophthisis. Last evaluated: 2023-08-10. Review status: criteria provided, single submitter. Criteria: Invitae Variant Classification Sherloc (09022015). Collection method: clinical testing. Allele origin: germline.

NM_015102.5(NPHP4):c.492C>T (p.His164=)

Gene: NPHP4 (nephrocystin 4; minus strand). Cytogenetic location: 1p36.31.
Variant type: single nucleotide variant.
Coding change: c.492C>T on transcript NM_015102.5 (MANE Select); coding-DNA position 492, C replaced by T.
Protein change: p.His164=; no amino-acid change (histidine 164 retained).
Molecular consequence: synonymous variant. On other transcripts: 5 prime UTR variant (2), non-coding transcript variant (1).
Genome position (GRCh38, 1-based): chr1:5,967,324, G>A on the plus strand (C>T on the coding strand, the complement: NPHP4 is on the minus strand). VCF-style: chr1-5967324-G-A. GRCh37 (hg19) VCF-style: chr1-6027384-G-A.
Other names: c.-738C>T (NM_001291593.2); c.-875C>T (NM_001291594.2); c.492C>T (NM_015102.4).
Identifiers: ClinVar variation 215888 (VCV000215888.11), dbSNP rs863224422, ClinGen allele CA339327.
Genomic context (GRCh38, chr1:5,967,324, plus strand): 5'-CAGTGAGTGCTGCCAAGGCCAGGTCTGGCTCTTACGCTCTGCGGGGTCCTGGAGAAGCGG[G>A]TGCAGGAGGGCTCTGGGGGTGCCATGGTACAGCCGCAACCTGGAAGACAGGACCCAGAGA-3'
Protein context (NP_055917.1, residues 154-174): LYHGTPRALL[His164=]PLLQDPAEQN